The following is an entry in ClinVar:

NM_152722.5(HEPACAM):c.1100G>A (p.Arg367His)

Gene: HEPACAM (hepatic and glial cell adhesion molecule; minus strand). Cytogenetic location: 11q24.2.
Variant type: single nucleotide variant.
Coding change: c.1100G>A on transcript NM_152722.5 (MANE Select); coding-DNA position 1100, G replaced by A.
Protein change: p.Arg367His; replaces arginine 367 with histidine.
Molecular consequence: missense variant.
Genome position (GRCh38, 1-based): chr11:124,921,289, C>T on the plus strand (G>A on the coding strand, the complement: HEPACAM is on the minus strand). VCF-style: chr11-124921289-C-T. GRCh37 (hg19) VCF-style: chr11-124791185-C-T.
Other names: short protein forms R367H.
Identifiers: ClinVar variation 1465942 (VCV001465942.8), dbSNP rs1260650597, ClinGen allele CA383137581.
Genomic context (GRCh38, chr11:124,921,289, plus strand): 5'-CGGCCGGGCGAGCTCGGGGCCCTGGGCGGCGACGAGTGTGTCCGGCCGGTGGCTGGGGAG[C>T]GCGCTGGGGAGCGCGGGTAGCGGCGGGCAGAGCGGATGGGCAGCCCCGGCGAGCGGCCGG-3'
Protein context (NP_689935.2, residues 357-377): SARRYPRSPA[Arg367His]SPATGRTHSS

ClinVar aggregate classification (germline): Uncertain significance (1 of 4 stars; one submission).

Allele frequency attached by ClinVar (database versions not stated): TOPMed 0.00001; gnomAD exomes 0.00003 and 0.00015.

Submission:

Labcorp Genetics (formerly Invitae), Labcorp
Classification: Uncertain significance. Last evaluated: 2024-06-03. Review status: criteria provided, single submitter. Criteria: Invitae Variant Classification Sherloc (09022015). Collection method: clinical testing. Allele origin: germline.
Comment: This sequence change replaces arginine, which is basic and polar, with histidine, which is basic and polar, at codon 367 of the HEPACAM protein (p.Arg367His). The frequency data for this variant in the population databases is considered unreliable, as metrics indicate poor data quality at this position in the gnomAD database. This variant has not been reported in the literature in individuals affected with HEPACAM-related conditions. ClinVar contains an entry for this variant (Variation ID: 1465942). An algorithm developed to predict the effect of missense changes on protein structure and function (PolyPhen-2) suggests that this variant is likely to be disruptive. In summary, the available evidence is currently insufficient to determine the role of this variant in disease. Therefore, it has been classified as a Variant of Uncertain Significance.